The following is an entry in ClinVar:

NM_002303.6(LEPR):c.2674-5872del

Gene: LEPR (leptin receptor; plus strand). Cytogenetic location: 1p31.3.
Variant type: Deletion.
Coding change: c.2674-5872del on transcript NM_002303.6 (MANE Select); 5872 bases into the intron before coding-DNA position 2674, one base deleted (T; older notation c.2674-5872delT).
Molecular consequence: intron variant. On other transcripts: frameshift variant (3).
Genome position (GRCh38, 1-based): chr1:65,630,319, T deleted; the last of 3 consecutive T bases (chr1:65,630,317-65,630,319); deleting any one gives the same sequence. VCF-style (leftmost placement, unchanged base first): chr1-65630316-CT-C. GRCh37 (hg19) VCF-style: chr1-66095999-CT-C.
Other names: c.2791delT (NM_001003680.3); c.2791del, p.Cys931fs (NM_001003680.3, NM_001198687.2); c.2674-2833del (NM_001003679.3, NM_001198689.2); short protein forms C931fs.
Identifiers: ClinVar variation 5002437 (VCV005002437.1).

ClinVar aggregate classification (germline): Uncertain significance (1 of 4 stars; one submission).

Conditions:
LEPR-related disorder. Also called: LEPR-related condition; LEPR-related disorders.

Submission:

PreventionGenetics, part of Exact Sciences
Classification: Uncertain significance for LEPR-related condition. Last evaluated: 2025-05-22. Review status: criteria provided, single submitter. Criteria: ACMG Guidelines, 2015. Collection method: clinical testing. Allele origin: germline.
Comment: The LEPR c.2791delT variant is predicted to result in a frameshift and premature protein termination (p.Cys931Valfs*7). This variant corresponds to a deep intronic position in the primary transcript for this gene (NM_002303:c.2674-5872delT). To our knowledge, this variant has not been reported in the literature or in a large population database (gnomAD), indicating this variant is rare. At this time, the clinical significance of this variant is uncertain due to the absence of conclusive functional and genetic evidence.